The following is an entry in ClinVar:

ClinVar aggregate classification (germline): Pathogenic. Review status: criteria provided, multiple submitters, no conflicts (2 of 4 stars). 2 submissions from 2 submitters: Pathogenic (2). Last evaluated 2024-10-08.

Conditions:
Retinitis pigmentosa 25 (RP25). Identifiers: Orphanet 791, MedGen C1864446, MONDO:0011272, OMIM 602772.

Submissions (2):

Labcorp Genetics (formerly Invitae), Labcorp
Classification: Pathogenic. Last evaluated: 2024-10-08. Review status: criteria provided, single submitter. Criteria: Invitae Variant Classification Sherloc (09022015). Collection method: clinical testing. Allele origin: germline.
Comment: This sequence change creates a premature translational stop signal (p.Cys2398*) in the EYS gene. It is expected to result in an absent or disrupted protein product. Loss-of-function variants in EYS are known to be pathogenic (PMID: 18836446, 20333770). This variant is not present in population databases (gnomAD no frequency). This variant has not been reported in the literature in individuals affected with EYS-related conditions. ClinVar contains an entry for this variant (Variation ID: 1452484). For these reasons, this variant has been classified as Pathogenic.

Myriad Genetics, Inc.
Classification: Pathogenic for Retinitis pigmentosa 25. Last evaluated: 2024-05-04. Review status: criteria provided, single submitter. Criteria: Myriad Autosomal Dominant, Autosomal Recessive and X-Linked Classification Criteria (2023). Collection method: clinical testing. Allele origin: unknown.
Comment: NM_001142800.1(EYS):c.7194C>A(C2398*) is expected to be pathogenic in the context of retinitis pigmentosa, EYS-related. This variant is predicted to lead to an abnormal or absent protein product due to the creation of a premature termination codon in EYS, a gene where loss-of-function variants are known to be pathogenic. Please note: this variant was assessed in the context of healthy population screening.

Literature cited by the submitters: PubMed 18836446 (cited by Labcorp Genetics (formerly Invitae), Labcorp); PubMed 20333770 (cited by Labcorp Genetics (formerly Invitae), Labcorp).

NM_001142800.2(EYS):c.7194C>A (p.Cys2398Ter)

Gene: EYS (EGF-like photoreceptor maintenance factor; minus strand). Cytogenetic location: 6q12.
Variant type: single nucleotide variant.
Coding change: c.7194C>A on transcript NM_001142800.2 (MANE Select); coding-DNA position 7194, C replaced by A.
Protein change: p.Cys2398Ter; replaces cysteine 2398 with a stop codon.
Molecular consequence: nonsense.
Genome position (GRCh38, 1-based): chr6:63,864,220, G>T on the plus strand (C>A on the coding strand, the complement: EYS is on the minus strand). VCF-style: chr6-63864220-G-T. GRCh37 (hg19) VCF-style: chr6-64574113-G-T.
Other names: c.7194C>A, p.Cys2398Ter (NM_001292009.2); short protein forms C2398*.
Identifiers: ClinVar variation 1452484 (VCV001452484.7), dbSNP rs2149709686, ClinGen allele CA364386268.